The following is an entry in ClinVar:

NM_007217.4(PDCD10):c.164del (p.Asn55fs)

Gene: PDCD10 (programmed cell death 10; minus strand). Cytogenetic location: 3q26.1.
Variant type: Deletion.
Coding change: c.164del on transcript NM_007217.4 (MANE Select); coding-DNA position 164, one base deleted (A; older notation c.164delA).
Protein change: p.Asn55fs; shifts the reading frame from asparagine 55.
Molecular consequence: frameshift variant.
Genome position (GRCh38, 1-based): chr3:167,697,113, T deleted on the plus strand (A on the coding strand, the reverse complement: PDCD10 is on the minus strand); the first of 4 consecutive T bases (chr3:167,697,113-167,697,116); deleting any one gives the same sequence. VCF-style (leftmost placement, unchanged base first): chr3-167697112-AT-A. GRCh37 (hg19) VCF-style: chr3-167414900-AT-A.
Other names: c.164del, p.Asn55fs (NM_145859.2, NM_145860.2); short protein forms N55fs.
Identifiers: ClinVar variation 1453460 (VCV001453460.6), dbSNP rs2108409560, ClinGen allele CA2573136727.

ClinVar aggregate classification (germline): Pathogenic (1 of 4 stars; one submission).

Conditions:
Cerebral cavernous malformation 3. Also called: Familial Cerebral Cavernous Malformation 3. Identifiers: Orphanet 221061, MedGen C1864040, MONDO:0011305, OMIM 603285.

Submission:

Labcorp Genetics (formerly Invitae), Labcorp
Classification: Pathogenic for Cerebral cavernous malformation 3. Last evaluated: 2021-11-12. Review status: criteria provided, single submitter. Criteria: Invitae Variant Classification Sherloc (09022015). Collection method: clinical testing. Allele origin: germline.
Comment: For these reasons, this variant has been classified as Pathogenic. This variant has not been reported in the literature in individuals affected with PDCD10-related conditions. This variant is not present in population databases (gnomAD no frequency). This sequence change creates a premature translational stop signal (p.Asn55Ilefs*10) in the PDCD10 gene. It is expected to result in an absent or disrupted protein product. Loss-of-function variants in PDCD10 are known to be pathogenic (PMID: 15543491, 18300272, 23801932).

Literature cited by the submitters: PubMed 15543491; PubMed 18300272; PubMed 23801932.